The following is an entry in ClinVar:

ClinVar aggregate classification (germline): Conflicting classifications of pathogenicity. Review status: criteria provided, conflicting classifications (1 of 4 stars). 4 submissions from 4 submitters: Likely pathogenic (1); Uncertain significance (2). 1 of the submissions does not count toward it. Last evaluated 2024-04-29.

Conditions:
Autosomal recessive polycystic kidney disease (ARPKD). Also called: AR polycystic kidney disease. Identifiers: Orphanet 731, Orphanet 8378, MedGen C0085548, MeSH D017044, MONDO:0009889.
Polycystic kidney disease 4 (PKD4). Also called: POLYCYSTIC KIDNEY DISEASE 4 WITH OR WITHOUT POLYCYSTIC LIVER DISEASE; Autosomal Recessive Polycystic Kidney Disease – PKHD1; PKD3; POLYCYSTIC KIDNEY AND HEPATIC DISEASE 1; POLYCYSTIC KIDNEY DISEASE, INFANTILE, TYPE I. Identifiers: MedGen C4540575, MONDO:0033004, OMIM 263200.

Allele frequency attached by ClinVar (database versions not stated): gnomAD 0.00001; gnomAD exomes 0.00001 and 0.00003; TOPMed 0.00001; ExAC 0.00002; ESP Exome Variant Server 0.00008.
gnomAD v4.1: 42 of 1,611,538 alleles (0.0026%); highest among the groups gnomAD compares: Non-Finnish European, 0.0035%; no homozygotes.

Submissions (4):

Fulgent Genetics
Classification: Uncertain significance for Polycystic kidney disease 4. Last evaluated: 2024-04-29. Review status: criteria provided, single submitter. Criteria: ACMG Guidelines, 2015. Collection method: clinical testing. Allele origin: germline.

Labcorp Genetics (formerly Invitae), Labcorp
Classification: Likely pathogenic for Autosomal recessive polycystic kidney disease. Last evaluated: 2024-01-24. Review status: criteria provided, single submitter. Criteria: Invitae Variant Classification Sherloc (09022015). Collection method: clinical testing. Allele origin: germline.
Comment: This sequence change replaces tyrosine, which is neutral and polar, with cysteine, which is neutral and slightly polar, at codon 143 of the PKHD1 protein (p.Tyr143Cys). This variant is present in population databases (rs141093030, gnomAD 0.003%). This missense change has been observed in individual(s) with autosomal recessive polycystic kidney disease (PMID: 16523049, 27752906; Invitae). In at least one individual the data is consistent with being in trans (on the opposite chromosome) from a pathogenic variant. ClinVar contains an entry for this variant (Variation ID: 577714). Advanced modeling of protein sequence and biophysical properties (such as structural, functional, and spatial information, amino acid conservation, physicochemical variation, residue mobility, and thermodynamic stability) performed at Invitae indicates that this missense variant is not expected to disrupt PKHD1 protein function with a negative predictive value of 95%. In summary, the currently available evidence indicates that the variant is pathogenic, but additional data are needed to prove that conclusively. Therefore, this variant has been classified as Likely Pathogenic.

GeneDx
Classification: Uncertain significance. Last evaluated: 2020-01-10. Review status: criteria provided, single submitter. Criteria: GeneDx Variant Classification Process June 2021. Collection method: clinical testing. Allele origin: germline. Affected: yes.
Comment: Observed as heterozygous with no second variant identified in a patient with ARPKD in published literature (Gunay-Aygun et al., 2010); Not observed at a significant frequency in large population cohorts (Lek et al., 2016); In silico analysis, which includes protein predictors and evolutionary conservation, supports that this variant does not alter protein structure/function; This variant is associated with the following publications: (PMID: 16523049, 19914852)

Natera, Inc.
Classification: Uncertain significance for Autosomal recessive polycystic kidney disease. Last evaluated: 2020-12-01. Review status: no assertion criteria provided. Collection method: clinical testing. Allele origin: germline. Not counted in ClinVar's aggregate classification.

Literature cited by the submitters: PubMed 16523049 (cited by Labcorp Genetics (formerly Invitae), Labcorp); PubMed 27752906 (cited by Labcorp Genetics (formerly Invitae), Labcorp).

NM_138694.4(PKHD1):c.428A>G (p.Tyr143Cys)

Gene: PKHD1 (PKHD1 ciliary IPT domain containing fibrocystin/polyductin; minus strand). Cytogenetic location: 6p12.2.
Variant type: single nucleotide variant.
Coding change: c.428A>G on transcript NM_138694.4 (MANE Select); coding-DNA position 428, A replaced by G.
Protein change: p.Tyr143Cys; replaces tyrosine 143 with cysteine.
Molecular consequence: missense variant.
Genome position (GRCh38, 1-based): chr6:52,076,296, T>C on the plus strand (A>G on the coding strand, the complement: PKHD1 is on the minus strand). VCF-style: chr6-52076296-T-C. GRCh37 (hg19) VCF-style: chr6-51941094-T-C.
Other names: c.428A>G, p.Tyr143Cys (NM_170724.3); short protein forms Y143C.
Identifiers: ClinVar variation 577714 (VCV000577714.16), dbSNP rs141093030, ClinGen allele CA3853934.